The following is an entry in ClinVar:

ClinVar aggregate classification (germline): Uncertain significance (1 of 4 stars; one submission).

gnomAD v4.1: 29 of 1,613,020 alleles (0.0018%); highest among the groups gnomAD compares: East Asian, 0.0089%; no homozygotes.

Submission:

Labcorp Genetics (formerly Invitae), Labcorp
Classification: Uncertain significance. Last evaluated: 2021-04-08. Review status: criteria provided, single submitter. Criteria: Invitae Variant Classification Sherloc (09022015). Collection method: clinical testing. Allele origin: germline.
Comment: In summary, the available evidence is currently insufficient to determine the role of this variant in disease. Therefore, it has been classified as a Variant of Uncertain Significance. Algorithms developed to predict the effect of missense changes on protein structure and function (SIFT, PolyPhen-2, Align-GVGD) all suggest that this variant is likely to be tolerated, but these predictions have not been confirmed by published functional studies and their clinical significance is uncertain. This variant has not been reported in the literature in individuals with TONSL-related conditions. This variant is present in population databases (rs557438514, ExAC 0.01%). This sequence change replaces proline with leucine at codon 502 of the TONSL protein (p.Pro502Leu). The proline residue is weakly conserved and there is a moderate physicochemical difference between proline and leucine.

NM_013432.5(TONSL):c.1505C>T (p.Pro502Leu)

Genes: TONSL (tonsoku like, DNA repair protein; minus strand), TONSL-AS1 (TONSL antisense RNA 1; plus strand). Cytogenetic location: 8q24.3.
Variant type: single nucleotide variant.
Coding change: c.1505C>T on transcript NM_013432.5 (MANE Select); coding-DNA position 1505, C replaced by T.
Protein change: p.Pro502Leu; replaces proline 502 with leucine.
Molecular consequence: missense variant. On other transcripts: non-coding transcript variant (1).
Genome position (GRCh38, 1-based): chr8:144,438,711, G>A on the plus strand (C>T on the coding strand, the complement: TONSL is on the minus strand). VCF-style: chr8-144438711-G-A. GRCh37 (hg19) VCF-style: chr8-145664094-G-A.
Other names: short protein forms P502L.
Identifiers: ClinVar variation 1385801 (VCV001385801.8), dbSNP rs557438514, ClinGen allele CA4943187.